The following is an entry in ClinVar:

NM_000288.4(PEX7):c.719del (p.Gly240fs)

Gene: PEX7 (peroxisomal biogenesis factor 7; plus strand). Cytogenetic location: 6q23.3.
Variant type: Deletion.
Coding change: c.719del on transcript NM_000288.4 (MANE Select); coding-DNA position 719, one base deleted (G; older notation c.719delG).
Protein change: p.Gly240fs; shifts the reading frame from glycine 240.
Molecular consequence: frameshift variant.
Genome position (GRCh38, 1-based): chr6:136,869,975, G deleted; the last of 2 consecutive G bases (chr6:136,869,974-136,869,975); deleting either gives the same sequence. VCF-style (leftmost placement, unchanged base first): chr6-136869973-TG-T. GRCh37 (hg19) VCF-style: chr6-137191111-TG-T.
Other names: c.605del, p.Gly202fs (NM_001410945.1); short protein forms G202fs, G240fs.
Identifiers: ClinVar variation 3362836 (VCV003362836.3).
Genomic context (GRCh38, chr6:136,869,973, plus strand): 5'-TGACTGTAGTTTGAGAGGCTGGGACTTAAGGAATGTACGACAACCAGTGTTTGAACTTCT[TG>T]GTCATACCTATGCTATTAGGAGGGTGAAAGTAAGTTTTCATCTTTTCTTTTATATGTAGA-3'

ClinVar aggregate classification (germline): Likely pathogenic (1 of 4 stars; one submission).

Conditions:
Rhizomelic chondrodysplasia punctata type 1 (RCDP1). Also called: PEX7-Related Rhizomelic Chondrodysplasia Punctata; CHONDRODYSTROPHIA CALCIFICANS PUNCTATA; PEROXISOME BIOGENESIS DISORDER 9. Identifiers: Orphanet 177, Orphanet 309789, MedGen C1859133, MONDO:0008972, OMIM 215100. Disease mechanism: loss of function.

Submission:

Neuberg Centre For Genomic Medicine, NCGM
Classification: Likely pathogenic for Rhizomelic chondrodysplasia punctata type 1. Review status: criteria provided, single submitter. Criteria: ACMG Guidelines, 2015. Collection method: clinical testing. Allele origin: germline. Inheritance: Autosomal recessive inheritance. Affected: yes.
Comment: The observed frameshift variant c.719del (p.Gly240ValfsTer9) in PEX7 gene has not been reported previously as a pathogenic variant nor as a benign variant, to our knowledge. The p.Gly240ValfsTer9 variant is absent on gnomAD Exomes database. This variant has not been submitted to the ClinVar database. This variant causes a frameshift starting with codon Glycine 240, changes this amino acid to Valine residue, and creates a premature Stop codon at position 9 of the new reading frame, denoted p.Gly240ValfsTer9. This variant is predicted to cause loss of normal protein function through protein truncation. Loss of function variants in PEX7 gene have been previously reported to be disease causing. Downstream loss of function variant [c.875T>A (p.Leu292Ter)] have previously been reported to be pathogenic (Dranchak et al. 2011; Jacobsen et al. 2015). Additional functional studies will be required to prove the pathogenicity of this variant. For these reasons, this variant has been classified as Likely Pathogenic.